The following is an entry in ClinVar:

NM_000545.8(HNF1A):c.1438G>A (p.Val480Met)

Gene: HNF1A (HNF1 homeobox A; plus strand). Cytogenetic location: 12q24.31.
Variant type: single nucleotide variant.
Coding change: c.1438G>A on transcript NM_000545.8 (MANE Select); coding-DNA position 1438, G replaced by A.
Protein change: p.Val480Met; replaces valine 480 with methionine.
Molecular consequence: missense variant.
Genome position (GRCh38, 1-based): chr12:120,997,602, G>A. VCF-style: chr12-120997602-G-A. GRCh37 (hg19) VCF-style: chr12-121435405-G-A.
Other names: c.1438G>A, p.Val480Met (NM_001306179.2); short protein forms V480M.
Identifiers: ClinVar variation 2049754 (VCV002049754.2), dbSNP rs1424563764, ClinGen allele CA386970250.

ClinVar aggregate classification (germline): Uncertain significance (1 of 4 stars; one submission).

Allele frequency attached by ClinVar (database versions not stated): TOPMed below 0.00001; gnomAD exomes 0.00001.
gnomAD v4.1: 4 of 1,613,832 alleles (0.00025%); highest among the groups gnomAD compares: Non-Finnish European, 0.00034%; no homozygotes.

Submission:

Labcorp Genetics (formerly Invitae), Labcorp
Classification: Uncertain significance. Last evaluated: 2022-03-04. Review status: criteria provided, single submitter. Criteria: Invitae Variant Classification Sherloc (09022015). Collection method: clinical testing. Allele origin: germline.
Comment: In summary, the available evidence is currently insufficient to determine the role of this variant in disease. Therefore, it has been classified as a Variant of Uncertain Significance. Advanced modeling of protein sequence and biophysical properties (such as structural, functional, and spatial information, amino acid conservation, physicochemical variation, residue mobility, and thermodynamic stability) performed at Invitae indicates that this missense variant is not expected to disrupt HNF1A protein function. This variant has not been reported in the literature in individuals affected with HNF1A-related conditions. This variant is present in population databases (no rsID available, gnomAD 0.0009%). This sequence change replaces valine, which is neutral and non-polar, with methionine, which is neutral and non-polar, at codon 480 of the HNF1A protein (p.Val480Met).